The following is an entry in ClinVar:

ClinVar aggregate classification (germline): Uncertain significance. Review status: criteria provided, multiple submitters, no conflicts (2 of 4 stars). 2 submissions from 2 submitters: Uncertain significance (2). Last evaluated 2022-04-07.

Conditions:
Inborn genetic diseases. Identifiers: MedGen C0950123, MeSH D030342.

Allele frequency attached by ClinVar (database versions not stated): gnomAD 0.00002; gnomAD exomes 0.00001; TOPMed 0.00003; ExAC 0.00001.

Submissions (2):

Ambry Genetics
Classification: Uncertain significance for Inborn genetic diseases. Last evaluated: 2022-04-07. Review status: criteria provided, single submitter. Criteria: Ambry Variant Classification Scheme 2023. Collection method: clinical testing. Allele origin: germline.
Comment: Occurs in an exon which may escape nonsense-mediated mRNA decay Based on insufficient or conflicting evidence, the clinical significance of this alteration remains unclear.

Eurofins Ntd Llc (ga)
Classification: Uncertain significance. Last evaluated: 2017-09-26. Review status: criteria provided, single submitter. Criteria: EGL Classification Definitions 2015. Collection method: clinical testing. Allele origin: germline. Observed: 1 variant allele, 1 heterozygote.

NM_024596.5(MCPH1):c.1681del (p.Thr561fs)

Gene: MCPH1 (microcephalin 1; plus strand). Cytogenetic location: 8p23.1.
Variant type: Deletion.
Coding change: c.1681del on transcript NM_024596.5 (MANE Select); coding-DNA position 1681, one base deleted (A; older notation c.1681delA).
Protein change: p.Thr561fs; shifts the reading frame from threonine 561.
Molecular consequence: frameshift variant. On other transcripts: non-coding transcript variant (1).
Genome position (GRCh38, 1-based): chr8:6,445,403, A deleted. VCF-style (leftmost placement, unchanged base first): chr8-6445402-CA-C. GRCh37 (hg19) VCF-style: chr8-6302923-CA-C.
Other names: c.1681del, p.Thr561fs (NM_001172574.2, NM_001322042.2, NM_001363979.1 and 1 more transcripts); c.1537del, p.Thr513fs (NM_001172575.2); c.1675del, p.Thr559fs (NM_001322043.2); c.1579del, p.Thr527fs (NM_001322045.2); c.1681delA (NM_024596.3); short protein forms T559fs, T561fs, T513fs, T527fs.
Identifiers: ClinVar variation 593852 (VCV000593852.7), dbSNP rs773342658, ClinGen allele CA4610620.